The following is an entry in ClinVar:

NM_182943.3(PLOD2):c.754A>G (p.Ile252Val)

Gene: PLOD2 (procollagen-lysine,2-oxoglutarate 5-dioxygenase 2; minus strand). Cytogenetic location: 3q24.
Variant type: single nucleotide variant.
Coding change: c.754A>G on transcript NM_182943.3 (MANE Select); coding-DNA position 754, A replaced by G.
Protein change: p.Ile252Val; replaces isoleucine 252 with valine.
Molecular consequence: missense variant.
Genome position (GRCh38, 1-based): chr3:146,102,778, T>C on the plus strand (A>G on the coding strand, the complement: PLOD2 is on the minus strand). VCF-style: chr3-146102778-T-C. GRCh37 (hg19) VCF-style: chr3-145820565-T-C.
Other names: c.754A>G, p.Ile252Val (NM_000935.3); c.754A>G (NM_000935.2); short protein forms I252V.
Identifiers: ClinVar variation 1427843 (VCV001427843.7), dbSNP rs769491366, ClinGen allele CA2655145.

ClinVar aggregate classification (germline): Uncertain significance. Review status: criteria provided, multiple submitters, no conflicts (2 of 4 stars). 2 submissions from 2 submitters: Uncertain significance (2). Last evaluated 2023-12-15.

Conditions:
Inborn genetic diseases. Identifiers: MedGen C0950123, MeSH D030342.

Allele frequency attached by ClinVar (database versions not stated): ExAC 0.00005; TOPMed 0.00005; gnomAD exomes 0.00003.

Submissions (2):

Ambry Genetics
Classification: Uncertain significance for Inborn genetic diseases. Last evaluated: 2023-12-15. Review status: criteria provided, single submitter. Criteria: Ambry Variant Classification Scheme 2023. Collection method: clinical testing. Allele origin: germline.

Labcorp Genetics (formerly Invitae), Labcorp
Classification: Uncertain significance. Last evaluated: 2021-04-14. Review status: criteria provided, single submitter. Criteria: Invitae Variant Classification Sherloc (09022015). Collection method: clinical testing. Allele origin: germline.
Comment: This sequence change replaces isoleucine with valine at codon 252 of the PLOD2 protein (p.Ile252Val). The isoleucine residue is moderately conserved and there is a small physicochemical difference between isoleucine and valine. In summary, the available evidence is currently insufficient to determine the role of this variant in disease. Therefore, it has been classified as a Variant of Uncertain Significance. Algorithms developed to predict the effect of missense changes on protein structure and function output the following: SIFT: "Tolerated"; PolyPhen-2: "Benign"; Align-GVGD: "Class C0". The valine amino acid residue is found in multiple mammalian species, suggesting that this missense change does not adversely affect protein function. These predictions have not been confirmed by published functional studies and their clinical significance is uncertain. This variant has not been reported in the literature in individuals with PLOD2-related conditions. This variant is present in population databases (rs769491366, ExAC 0.02%).